The following is an entry in ClinVar:

NM_020163.3(SEMA3G):c.1123C>T (p.Pro375Ser)

Gene: SEMA3G (semaphorin 3G; minus strand). Cytogenetic location: 3p21.1.
Variant type: single nucleotide variant.
Coding change: c.1123C>T on transcript NM_020163.3 (MANE Select); coding-DNA position 1123, C replaced by T.
Protein change: p.Pro375Ser; replaces proline 375 with serine.
Molecular consequence: missense variant.
Genome position (GRCh38, 1-based): chr3:52,440,397, G>A on the plus strand (C>T on the coding strand, the complement: SEMA3G is on the minus strand). VCF-style: chr3-52440397-G-A. GRCh37 (hg19) VCF-style: chr3-52474413-G-A.
Other names: short protein forms P375S.
Identifiers: ClinVar variation 3353276 (VCV003353276.1).
Genomic context (GRCh38, chr3:52,440,397, plus strand): 5'-CAGGCCTCGCTTCCCTGGCCTGGCCCCAGCAGATACTCACCACGCCAGGGCGAGGGAAGG[G>A]CACCTTGCCCCCATAGGGCCCCCACTGGTGCTGAGGCCCATCTCGGTGGGCAAAGGGCCC-3'
Protein context (NP_064548.1, residues 365-385): HQWGPYGGKV[Pro375Ser]FPRPGVCPSK

ClinVar aggregate classification (germline): Uncertain significance (0 of 4 stars; one submission).

Conditions:
SEMA3G-related disorder. Also called: SEMA3G-related condition.

gnomAD v4.1: 4 of 1,607,772 alleles (0.00025%); highest among the groups gnomAD compares: Non-Finnish European, 0.00034%; no homozygotes.

Submission:

PreventionGenetics, part of Exact Sciences
Classification: Uncertain significance for SEMA3G-related condition. Last evaluated: 2024-07-16. Review status: no assertion criteria provided. Collection method: clinical testing. Allele origin: germline.
Comment: The SEMA3G c.1123C>T variant is predicted to result in the amino acid substitution p.Pro375Ser. To our knowledge, this variant has not been reported in the literature. This variant is reported in 0.0016% of alleles in individuals of European (Non-Finnish) descent in gnomAD. At this time, the clinical significance of this variant is uncertain due to the absence of conclusive functional and genetic evidence.